The following is an entry in ClinVar:

ClinVar aggregate classification (germline): Uncertain significance (1 of 4 stars; one submission).

Submission:

GeneDx
Classification: Uncertain significance. Last evaluated: 2023-01-19. Review status: criteria provided, single submitter. Criteria: GeneDx Variant Classification Process June 2021. Collection method: clinical testing. Allele origin: germline. Affected: yes.
Comment: Canonical splice site variant in a gene or region of a gene for which loss of function is not a well-established mechanism of disease; Not observed at significant frequency in large population cohorts (gnomAD); Has not been previously published as pathogenic or benign to our knowledge

NM_004304.5(ALK):c.1414+2T>G

Gene: ALK (ALK receptor tyrosine kinase; minus strand). Cytogenetic location: 2p23.2.
Variant type: single nucleotide variant.
Coding change: c.1414+2T>G on transcript NM_004304.5 (MANE Select); the canonical splice donor site of the intron after coding-DNA position 1414, T replaced by G.
Molecular consequence: splice donor variant.
Genome position (GRCh38, 1-based): chr2:29,328,348, A>C on the plus strand (T>G on the coding strand, the complement: ALK is on the minus strand). VCF-style: chr2-29328348-A-C. GRCh37 (hg19) VCF-style: chr2-29551214-A-C.
Identifiers: ClinVar variation 2573984 (VCV002573984.1), dbSNP rs2465459040, ClinGen allele CA346474070.